The following is an entry in ClinVar:

ClinVar aggregate classification (germline): Uncertain significance. Review status: reviewed by expert panel (3 of 4 stars). 10 submissions from 10 submitters: Uncertain significance (1). 9 of the submissions do not count toward it. Last evaluated 2025-01-15.

Conditions:
OTOF-related disorder. Also called: OTOF-related condition.
Nonsyndromic genetic hearing loss. Also called: Nonsyndromic genetic deafness; Non-syndromic genetic deafness; Nonsyndromic hearing loss and deafness. Identifiers: Orphanet 87884, MedGen C5680182, MONDO:0019497.
Autosomal recessive nonsyndromic hearing loss 9. Also called: NEUROSENSORY NONSYNDROMIC RECESSIVE DEAFNESS 9; Deafness, autosomal recessive 9; OTOF-Related Hearing Loss; AUDITORY NEUROPATHY, AUTOSOMAL RECESSIVE, 1, TEMPERATURE-SENSITIVE. Identifiers: Orphanet 90636, MedGen C1832828, MONDO:0010986, OMIM 601071.

Allele frequency attached by ClinVar (database versions not stated): ESP Exome Variant Server 0.00138; 1000 Genomes Project 30x 0.00062; ExAC 0.00068; gnomAD exomes 0.00069 and 0.00107; 1000 Genomes Project 0.00080; gnomAD 0.00081 and 0.00082; TOPMed 0.00082.
gnomAD v4.1: 1,665 of 1,614,056 alleles (0.1%); highest among the groups gnomAD compares: Non-Finnish European, 0.13%; no homozygotes.

Submissions (10):

ClinGen Hearing Loss Variant Curation Expert Panel
Classification: Uncertain significance for Nonsyndromic genetic hearing loss. Last evaluated: 2025-01-15. Review status: reviewed by expert panel. Criteria: clingen hl acmg specifications otof myo15a v1. Collection method: curation. Allele origin: germline. Inheritance: Autosomal recessive inheritance.
Comment: The filtering allele frequency (the lower threshold of the 95% of 73/60,014) of the c.4463A>T (p.Asp1488Val) variant in OTOF is 0.122% for Latino/Admixed American alleles in gnomAD v4, which is a higher frequency than would be expected for an autosomal recessive pathogenic variant based on the thresholds defined by the ClinGen Hearing Loss Expert Panel (BS1_Supporting). The REVEL computational prediction tool produced a score of 0.805, which is above the threshold necessary to apply PP3. While this variant has been observed in at least 6 probands with hearing loss, none of these individuals had a second variant identified in OTOF (Partners Laboratory for Molecular Medicine internal data, ClinVar SCV000065239.6). In summary, the clinical significance of this variant is uncertain. ACMG/AMP criteria applied, as specified by the Hearing Loss Expert Panel: BS1_Supporting, PP3. (ClinGen Hearing Loss VCEP specifications version 2; 01.15.2025).

Labcorp Genetics (formerly Invitae), Labcorp
Classification: Likely benign. Last evaluated: 2026-01-26. Review status: criteria provided, single submitter. Criteria: Invitae Variant Classification Sherloc (09022015). Collection method: clinical testing. Allele origin: germline. Not counted in ClinVar's aggregate classification.

CeGaT Center for Human Genetics Tuebingen
Classification: Likely benign. Last evaluated: 2025-01-01. Review status: criteria provided, single submitter. Criteria: CeGaT Center For Human Genetics Tuebingen Variant Classification Criteria Version 2. Collection method: clinical testing. Allele origin: germline. Affected: yes. Observed: 1 variant allele. Not counted in ClinVar's aggregate classification.
Comment: OTOF: BS1:Supporting

Blueprint Genetics
Classification: Uncertain significance. Last evaluated: 2024-11-04. Review status: criteria provided, single submitter. Criteria: ACMG Guidelines, 2015. Collection method: clinical testing. Allele origin: germline. Not counted in ClinVar's aggregate classification.

Fulgent Genetics
Classification: Uncertain significance for Autosomal recessive nonsyndromic hearing loss 9. Last evaluated: 2021-12-14. Review status: criteria provided, single submitter. Criteria: ACMG Guidelines, 2015. Collection method: clinical testing. Allele origin: unknown. Not counted in ClinVar's aggregate classification.

GeneDx
Classification: Uncertain significance. Last evaluated: 2021-09-02. Review status: criteria provided, single submitter. Criteria: GeneDx Variant Classification Process June 2021. Collection method: clinical testing. Allele origin: germline. Affected: yes. Not counted in ClinVar's aggregate classification.
Comment: In silico analysis supports that this missense variant has a deleterious effect on protein structure/function; Has not been previously published as pathogenic or benign to our knowledge

Laboratory for Molecular Medicine, Mass General Brigham Personalized Medicine
Classification: Uncertain significance. Last evaluated: 2021-01-05. Review status: criteria provided, single submitter. Criteria: LMM Criteria. Collection method: clinical testing. Allele origin: germline. Observed: 6 variant alleles. Not counted in ClinVar's aggregate classification.
Comment: Variant classified as Uncertain Significance - Favor Benign. The p.Asp1488Val variant in the OTOF gene has been identified by our laboratory in 5 individuals with hearing loss, none of whom carried a second pathogenic variant in OTOF. This variant has also been identified in 0.13% (49/35440) of Latino chromosomes by gnomAD. It has also been reported in ClinVar (Variation ID 48235). Computational prediction tools and conservation analyses suggest that the p.Asp1488Val variant may impact the protein, though this information is not predictive enough to determine pathogenicity. In summary, while the clinical significance of the p.Asp1488Val variant is uncertain, its frequency in the general population suggests that it is more likely to be benign. ACMG/AMP criteria applied: BS1_Supporting, PP3.

ARUP Laboratories, Molecular Genetics and Genomics, ARUP Laboratories
Classification: Uncertain significance. Last evaluated: 2020-11-18. Review status: criteria provided, single submitter. Criteria: ARUP Molecular Germline Variant Investigation Process 2021. Collection method: clinical testing. Allele origin: germline. Not counted in ClinVar's aggregate classification.
Comment: The OTOF c.4463A>T; p.Asp1488Val variant (rs142284613), to our knowledge, is not reported in the medical literature but is reported in ClinVar (Variation ID: 48235). This variant is found in the Latino population with an allele frequency of 0.14% (49/35,440 alleles) in the Genome Aggregation Database. The aspartic acid at codon 1488 is moderately conserved, and computational analyses predict that this variant is deleterious (REVEL: 0.805). Due to limited information, the clinical significance of this variant is uncertain at this time.

Illumina Laboratory Services, Illumina
Classification: Uncertain significance for Autosomal recessive nonsyndromic hearing loss 9. Last evaluated: 2018-01-13. Review status: criteria provided, single submitter. Criteria: ICSL Variant Classification Criteria 13 December 2019. Collection method: clinical testing. Allele origin: germline. Not counted in ClinVar's aggregate classification.

PreventionGenetics, part of Exact Sciences
Classification: Uncertain significance for OTOF-related condition. Last evaluated: 2024-09-18. Review status: no assertion criteria provided. Collection method: clinical testing. Allele origin: germline. Not counted in ClinVar's aggregate classification.
Comment: The OTOF c.4463A>T variant is predicted to result in the amino acid substitution p.Asp1488Val. To our knowledge, this variant has not been reported in the literature. This variant is reported in 0.14% of alleles in individuals of Latino descent in gnomAD. Although we suspect that this variant may be benign, at this time, the clinical significance of this variant is uncertain due to the absence of conclusive functional and genetic evidence.

NM_194248.3(OTOF):c.4463A>T (p.Asp1488Val)

Gene: OTOF (otoferlin; minus strand). Cytogenetic location: 2p23.3.
Variant type: single nucleotide variant.
Coding change: c.4463A>T on transcript NM_194248.3 (MANE Select); coding-DNA position 4463, A replaced by T.
Protein change: p.Asp1488Val; replaces aspartic acid 1488 with valine.
Molecular consequence: missense variant.
Genome position (GRCh38, 1-based): chr2:26,466,751, T>A on the plus strand (A>T on the coding strand, the complement: OTOF is on the minus strand). VCF-style: chr2-26466751-T-A. GRCh37 (hg19) VCF-style: chr2-26689619-T-A.
Other names: NM_194248.3(OTOF):c.4463A>T; c.4463A>T, p.Asp1488Val (NM_001287489.2); c.2162A>T, p.Asp721Val (NM_004802.4, NM_194323.3); c.2393A>T, p.Asp798Val (NM_194322.3); short protein forms D1488V, D798V, D721V.
Identifiers: ClinVar variation 48235 (VCV000048235.41), dbSNP rs142284613, ClinGen allele CA142888.